The following is an entry in ClinVar:

NM_000612.6(IGF2):c.439G>C (p.Glu147Gln)

Genes: IGF2 (insulin like growth factor 2; minus strand), INS-IGF2 (INS-IGF2 readthrough; minus strand). Cytogenetic location: 11p15.5.
Variant type: single nucleotide variant.
Coding change: c.439G>C on transcript NM_000612.6 (MANE Select); coding-DNA position 439, G replaced by C.
Protein change: p.Glu147Gln; replaces glutamic acid 147 with glutamine.
Molecular consequence: missense variant. On other transcripts: non-coding transcript variant (1).
Genome position (GRCh38, 1-based): chr11:2,133,091, C>G on the plus strand (G>C on the coding strand, the complement: IGF2 is on the minus strand). VCF-style: chr11-2133091-C-G. GRCh37 (hg19) VCF-style: chr11-2154321-C-G.
Other names: c.607G>C (NM_001127598.1); c.439G>C, p.Glu147Gln (NM_001007139.6, NM_001291861.3, NM_001291862.3); c.607G>C, p.Glu203Gln (NM_001127598.3); short protein forms E147Q, E203Q.
Identifiers: ClinVar variation 2178673 (VCV002178673.6), dbSNP rs150866176, ClinGen allele CA5817613.

ClinVar aggregate classification (germline): Conflicting classifications of pathogenicity. Review status: criteria provided, conflicting classifications (1 of 4 stars). 3 submissions from 3 submitters: Uncertain significance (2); Likely benign (1). Last evaluated 2025-10-13.

Conditions:
Inborn genetic diseases. Identifiers: MedGen C0950123, MeSH D030342.
Silver-Russell syndrome 1 (SRS1). Also called: Chromosome 7-Related Russell-Silver Syndrome. Identifiers: Orphanet 813, MedGen C5393125, MONDO:0020796, OMIM 180860.
Beckwith-Wiedemann syndrome (BWS). Also called: Exomphalos macroglossia gigantism syndrome; EMG SYNDROME. Identifiers: Orphanet 116, MedGen C0004903, MONDO:0007534, OMIM 130650.
Wilms tumor 1 (WT1). Also called: Wilms tumor, somatic. Identifiers: Orphanet 654, MedGen CN033288, MONDO:0008679, OMIM 194070.
Silver-Russell syndrome 3 (SRS3). Also called: Growth restriction, severe, with distinctive facies. Identifiers: MedGen C4225307, MONDO:0014663, OMIM 616489.

gnomAD v4.1: 233 of 1,607,920 alleles (0.014%); highest among the groups gnomAD compares: Non-Finnish European, 0.018%; no homozygotes.

Submissions (3):

Labcorp Genetics (formerly Invitae), Labcorp
Classification: Uncertain significance. Last evaluated: 2025-10-13. Review status: criteria provided, single submitter. Criteria: Invitae Variant Classification Sherloc (09022015). Collection method: clinical testing. Allele origin: germline.
Comment: This sequence change replaces glutamic acid, which is acidic and polar, with glutamine, which is neutral and polar, at codon 147 of the IGF2 protein (p.Glu147Gln). This variant is present in population databases (rs150866176, gnomAD 0.01%). This variant has not been reported in the literature in individuals affected with IGF2-related conditions. ClinVar contains an entry for this variant (Variation ID: 2178673). An algorithm developed to predict the effect of missense changes on protein structure and function outputs the following: PolyPhen-2: "Benign". The glutamine amino acid residue is found in multiple mammalian species, which suggests that this missense change does not adversely affect protein function. In summary, the available evidence is currently insufficient to determine the role of this variant in disease. Therefore, it has been classified as a Variant of Uncertain Significance.

Ambry Genetics
Classification: Likely benign for Inborn genetic diseases. Last evaluated: 2024-08-10. Review status: criteria provided, single submitter. Criteria: Ambry Variant Classification Scheme 2023. Collection method: clinical testing. Allele origin: germline.

Department of Pathology and Laboratory Medicine, Sinai Health System
Classification: Uncertain significance for Beckwith-Wiedemann syndrome; Silver-Russell syndrome 1; Wilms tumor 1; Silver-Russell syndrome 3. Last evaluated: 2023-08-28. Review status: criteria provided, single submitter. Criteria: ACMG Guidelines, 2015. Collection method: research. Allele origin: germline.